The following is an entry in ClinVar:

NM_000346.4(SOX9):c.395A>T (p.Asn132Ile)

Genes: SOX9 (SRY-box transcription factor 9; plus strand), LOC108021846 (SOX9 promoter region; plus strand). Cytogenetic location: 17q24.3.
Variant type: single nucleotide variant.
Coding change: c.395A>T on transcript NM_000346.4 (MANE Select); coding-DNA position 395, A replaced by T.
Protein change: p.Asn132Ile; replaces asparagine 132 with isoleucine.
Molecular consequence: missense variant.
Genome position (GRCh38, 1-based): chr17:72,121,786, A>T. VCF-style: chr17-72121786-A-T. GRCh37 (hg19) VCF-style: chr17-70117927-A-T.
Other names: short protein forms N132I.
Identifiers: ClinVar variation 4818952 (VCV004818952.2).

ClinVar aggregate classification (germline): Likely pathogenic (1 of 4 stars; one submission).

Conditions:
Camptomelic dysplasia (CMPD). Also called: CMPD1/SRA1; Campomelic Dysplasia. Identifiers: Orphanet 140, MedGen C1861922, MONDO:0007251, OMIM 114290.

Submission:

Victorian Clinical Genetics Services, Murdoch Childrens Research Institute
Classification: Likely pathogenic for Camptomelic dysplasia. Last evaluated: 2026-04-20. Review status: criteria provided, single submitter. Criteria: ACMG Guidelines, 2015. Collection method: clinical testing. Allele origin: germline. Affected: yes.
Comment: This variant is classified as Likely pathogenic. Evidence in support of pathogenic classification: Variant is absent from gnomAD (v2, v3 and v4); Missense variant in a region that is highly intolerant to missense variation (high constraint region in DECIPHER); Missense variant predicted to be damaging by in silico tool(s) or highly conserved with a major amino acid change; Additional information: Variant is predicted to result in a missense amino acid change from Asn to Ile; This variant is heterozygous; This gene is associated with autosomal dominant disease; Alternative amino acid change(s) at the same position are present in gnomAD (highest allele count: v4: 1 heterozygote(s), 0 homozygote(s)); This variant has no previous evidence of pathogenicity; No published evidence of segregation with disease has been identified for this variant; No published functional evidence has been identified for this variant; Other missense variants comparable to the one identified in this case have conflicting previous evidence for pathogenicity. p.(Asn132Thr) has been classified once as likely pathogenic (LOVD), while p.(Asn132Lys) has been classified twice as a VUS by clinical diagnostic laboratories (ClinVar); Loss of function is a known mechanism of disease in this gene and is associated with campomelic dysplasia (MONDO:0007251); Variants in this gene are known to have variable expressivity. Seemingly unaffected parents found to have the same variant as their affected children have been shown to be mildly affected on further examination; this includes two cases where the parents were shown to be mosaic for the variant (PMIDs: 20301724, 29542186).

Literature cited by the submitters: PubMed 29542186; PubMed 20301724.